The following is an entry in ClinVar:

NM_001358530.2(MOCS1):c.1162A>G (p.Met388Val)

Gene: MOCS1 (molybdenum cofactor synthesis 1; minus strand). Cytogenetic location: 6p21.2.
Variant type: single nucleotide variant.
Coding change: c.1162A>G on transcript NM_001358530.2 (MANE Select); coding-DNA position 1162, A replaced by G.
Protein change: p.Met388Val; replaces methionine 388 with valine.
Molecular consequence: missense variant. On other transcripts: 3 prime UTR variant (4), non-coding transcript variant (1).
Genome position (GRCh38, 1-based): chr6:39,907,106, T>C on the plus strand (A>G on the coding strand, the complement: MOCS1 is on the minus strand). VCF-style: chr6-39907106-T-C. GRCh37 (hg19) VCF-style: chr6-39874882-T-C.
Other names: c.*19A>G (NM_001075098.4, NM_001358533.2, NM_001358534.2 and 1 more transcripts); c.1114A>G, p.Met372Val (NM_001358529.2); c.901A>G, p.Met301Val (NM_001358531.2); short protein forms M301V, M388V, M372V.
Identifiers: ClinVar variation 2063197 (VCV002063197.1), dbSNP rs1031912390, ClinGen allele CA137647471.
Genomic context (GRCh38, chr6:39,907,106, plus strand): 5'-GAACATGGAGCGGGTCCCAGGAGAAAATGCTTGGATTGGCTGGTGGGGAATTGGGGAACA[T>C]CAAAAATAACTCTGCAAGGCAAGAAGAAAAGAGAAGAAACACTAAGTCCAAAAGGCAATT-3'
Protein context (NP_001345459.1, residues 378-398): RPMILIELFL[Met388Val]FPNSPPANPS

ClinVar aggregate classification (germline): Uncertain significance (1 of 4 stars; one submission).

Conditions:
Sulfite oxidase deficiency due to molybdenum cofactor deficiency type A. Also called: Molybdenum cofactor deficiency, complementation group A; Molybdenum Cofactor Deficiency A. Identifiers: Orphanet 308386, Orphanet 833, MedGen C1854988, MONDO:0009643, OMIM 252150.

gnomAD v4.1: 1 of 1,610,964 alleles (0.000062%); no homozygotes.

Submission:

Labcorp Genetics (formerly Invitae), Labcorp
Classification: Uncertain significance for Sulfite oxidase deficiency due to molybdenum cofactor deficiency type A. Last evaluated: 2022-08-15. Review status: criteria provided, single submitter. Criteria: Invitae Variant Classification Sherloc (09022015). Collection method: clinical testing. Allele origin: germline.
Comment: This sequence change replaces methionine, which is neutral and non-polar, with valine, which is neutral and non-polar, at codon 388 of the MOCS1 protein (p.Met388Val). This variant is not present in population databases (gnomAD no frequency). This variant has not been reported in the literature in individuals affected with MOCS1-related conditions. Algorithms developed to predict the effect of missense changes on protein structure and function are either unavailable or do not agree on the potential impact of this missense change (SIFT: "Not Available"; PolyPhen-2: "Benign"; Align-GVGD: "Not Available"). In summary, the available evidence is currently insufficient to determine the role of this variant in disease. Therefore, it has been classified as a Variant of Uncertain Significance.